The following is an entry in ClinVar:

NM_000038.6(APC):c.1221T>C (p.Leu407=)

Gene: APC (APC regulator of Wnt signaling pathway; plus strand). Cytogenetic location: 5q22.2.
Variant type: single nucleotide variant.
Coding change: c.1221T>C on transcript NM_000038.6 (MANE Select); coding-DNA position 1221, T replaced by C.
Protein change: p.Leu407=; no amino-acid change (leucine 407 retained).
Molecular consequence: synonymous variant. On other transcripts: non-coding transcript variant (2), intron variant (15).
Genome position (GRCh38, 1-based): chr5:112,819,253, T>C. VCF-style: chr5-112819253-T-C. GRCh37 (hg19) VCF-style: chr5-112154950-T-C.
Other names: c.1221T>C, p.Leu407= (NM_001127510.3, NM_001354895.2, NM_001354896.2 and 4 more transcripts); c.1167T>C, p.Leu389= (NM_001127511.3); c.1251T>C, p.Leu417= (NM_001354897.2, NM_001407446.1); c.1146T>C, p.Leu382= (NM_001354898.2, NM_001407451.1); c.1137T>C, p.Leu379= (NM_001354899.2, NM_001407452.1); c.1044T>C, p.Leu348= (NM_001354900.2, NM_001354901.2, NM_001407453.1); c.372T>C, p.Leu124= (NM_001354906.2, NM_001407470.1); c.85-16T>C (NM_001407472.1, NM_001407471.1); and 5 more.
Identifiers: ClinVar variation 3148110 (VCV003148110.1), dbSNP rs2149782704, ClinGen allele CA445960359.

ClinVar aggregate classification (germline): Benign (1 of 4 stars; one submission).

Conditions:
Familial adenomatous polyposis 1 (FAP1). Also called: POLYPOSIS, ADENOMATOUS INTESTINAL; FAMILIAL ADENOMATOUS POLYPOSIS 1, ATTENUATED. Identifiers: MedGen C2713442, MONDO:0021056, OMIM 175100. Disease mechanism: loss of function.

Submission:

Myriad Genetics, Inc.
Classification: Benign for Familial adenomatous polyposis 1. Last evaluated: 2024-03-01. Review status: criteria provided, single submitter. Criteria: Myriad Autosomal Dominant, Autosomal Recessive and X-Linked Classification Criteria (2023). Collection method: clinical testing. Allele origin: unknown.
Comment: This variant is considered benign. This variant is a silent/synonymous amino acid change and it is not expected to impact splicing.